The following is an entry in ClinVar:

NM_001943.5(DSG2):c.1013A>G (p.Lys338Arg)

Gene: DSG2 (desmoglein 2; plus strand). Cytogenetic location: 18q12.1.
Variant type: single nucleotide variant.
Coding change: c.1013A>G on transcript NM_001943.5 (MANE Select); coding-DNA position 1013, A replaced by G.
Protein change: p.Lys338Arg; replaces lysine 338 with arginine.
Molecular consequence: missense variant.
Genome position (GRCh38, 1-based): chr18:31,524,887, A>G. VCF-style: chr18-31524887-A-G. GRCh37 (hg19) VCF-style: chr18-29104850-A-G.
Other names: short protein forms K338R.
Identifiers: ClinVar variation 2908775 (VCV002908775.4), dbSNP rs1454000095, ClinGen allele CA402136033.

ClinVar aggregate classification (germline): Uncertain significance. Review status: criteria provided, multiple submitters, no conflicts (2 of 4 stars). 2 submissions from 2 submitters: Uncertain significance (2). Last evaluated 2024-05-25.

Conditions:
Cardiovascular phenotype. Identifiers: MedGen CN230736.
Arrhythmogenic right ventricular dysplasia 10. Also called: Arrhythmogenic Right Ventricular Dysplasia/Cardiomyopathy10; ARRHYTHMOGENIC RIGHT VENTRICULAR DYSPLASIA, FAMILIAL, 10; Arrhythmogenic right ventricular dysplasia/cardiomyopathy, type 10. Identifiers: MedGen C1857777, MONDO:0012434, OMIM 610193.

Submissions (2):

Ambry Genetics
Classification: Uncertain significance for Cardiovascular phenotype. Last evaluated: 2024-05-25. Review status: criteria provided, single submitter. Criteria: Ambry Variant Classification Scheme 2023. Collection method: clinical testing. Allele origin: germline.
Comment: The p.K338R variant (also known as c.1013A>G), located in coding exon 8 of the DSG2 gene, results from an A to G substitution at nucleotide position 1013. The lysine at codon 338 is replaced by arginine, an amino acid with highly similar properties. This amino acid position is conserved. In addition, this alteration is predicted to be tolerated by in silico analysis. Based on the available evidence, the clinical significance of this variant remains unclear.

Labcorp Genetics (formerly Invitae), Labcorp
Classification: Uncertain significance for Arrhythmogenic right ventricular dysplasia 10. Last evaluated: 2023-10-08. Review status: criteria provided, single submitter. Criteria: Invitae Variant Classification Sherloc (09022015). Collection method: clinical testing. Allele origin: germline.
Comment: This sequence change replaces lysine, which is basic and polar, with arginine, which is basic and polar, at codon 338 of the DSG2 protein (p.Lys338Arg). This variant is not present in population databases (gnomAD no frequency). This variant has not been reported in the literature in individuals affected with DSG2-related conditions. An algorithm developed to predict the effect of missense changes on protein structure and function (PolyPhen-2) suggests that this variant is likely to be disruptive. In summary, the available evidence is currently insufficient to determine the role of this variant in disease. Therefore, it has been classified as a Variant of Uncertain Significance.